The following is an entry in ClinVar:

NM_152564.5(VPS13B):c.7941+6T>C

Gene: VPS13B (vacuolar protein sorting 13 homolog B; plus strand). Cytogenetic location: 8q22.2.
Variant type: single nucleotide variant.
Coding change: c.7941+6T>C on transcript NM_152564.5 (MANE Select); 6 bases into the intron after coding-DNA position 7941, T replaced by C.
Molecular consequence: intron variant.
Genome position (GRCh38, 1-based): chr8:99,784,482, T>C. VCF-style: chr8-99784482-T-C. GRCh37 (hg19) VCF-style: chr8-100796710-T-C.
Other names: c.8016+6T>C (NM_017890.5); c.7941+6T>C (NM_152564.4).
Identifiers: ClinVar variation 2147507 (VCV002147507.2), dbSNP rs1250134243, ClinGen allele CA857585219.

ClinVar aggregate classification (germline): Uncertain significance. Review status: criteria provided, multiple submitters, no conflicts (2 of 4 stars). 2 submissions from 2 submitters: Uncertain significance (2). Last evaluated 2022-08-16.

Conditions:
Cohen syndrome (COH1). Also called: PEPPER SYNDROME; Cutis verticis gyrata, retinitis pigmentosa, and sensorineural deafness. Identifiers: Orphanet 193, MedGen C0265223, MONDO:0008999, OMIM 216550.

Allele frequency attached by ClinVar (database versions not stated): TOPMed below 0.00001; gnomAD 0.00001.
gnomAD v4.1: 3 of 1,613,444 alleles (0.00019%); highest among the groups gnomAD compares: Admixed American, 0.0017%; no homozygotes.

Submissions (2):

Labcorp Genetics (formerly Invitae), Labcorp
Classification: Uncertain significance for Cohen syndrome. Last evaluated: 2022-08-16. Review status: criteria provided, single submitter. Criteria: Invitae Variant Classification Sherloc (09022015). Collection method: clinical testing. Allele origin: germline.
Comment: This sequence change falls in intron 43 of the VPS13B gene. It does not directly change the encoded amino acid sequence of the VPS13B protein. It affects a nucleotide within the consensus splice site. This variant is not present in population databases (gnomAD no frequency). This variant has not been reported in the literature in individuals affected with VPS13B-related conditions. Variants that disrupt the consensus splice site are a relatively common cause of aberrant splicing (PMID: 17576681, 9536098). Algorithms developed to predict the effect of sequence changes on RNA splicing suggest that this variant is not likely to affect RNA splicing. In summary, the available evidence is currently insufficient to determine the role of this variant in disease. Therefore, it has been classified as a Variant of Uncertain Significance.

New York Genome Center
Classification: Uncertain significance for Cohen syndrome. Last evaluated: 2022-03-31. Review status: criteria provided, single submitter. Criteria: NYGC Assertion Criteria 2020. Collection method: clinical testing. Allele origin: germline. Observed: 1 heterozygote.

Literature cited by the submitters: PubMed 17576681 (cited by Labcorp Genetics (formerly Invitae), Labcorp); PubMed 9536098 (cited by Labcorp Genetics (formerly Invitae), Labcorp).